The following is an entry in ClinVar:

ClinVar aggregate classification (germline): Uncertain significance (1 of 4 stars; one submission).

Conditions:
Hereditary breast ovarian cancer syndrome. Also called: Hereditary breast and ovarian cancer; Breast and ovarian cancer; Hereditary breast and/or ovarian cancer syndrome; Hereditary breast and ovarian cancer syndrome; Hereditary breast and ovarian cancer syndrome (HBOC); BRCA1- and BRCA2-Associated Hereditary Breast and Ovarian Cancer. Identifiers: Orphanet 145, MedGen C0677776, MeSH D061325, MONDO:0003582. Disease mechanism: loss of function.

Allele frequency attached by ClinVar (database versions not stated): gnomAD exomes below 0.00001.
gnomAD v4.1: 1 of 1,614,070 alleles (0.000062%); highest among the groups gnomAD compares: Non-Finnish European, 0.000085%; no homozygotes.

Submission:

Labcorp Genetics (formerly Invitae), Labcorp
Classification: Uncertain significance for Hereditary breast ovarian cancer syndrome. Last evaluated: 2022-08-16. Review status: criteria provided, single submitter. Criteria: Invitae Variant Classification Sherloc (09022015). Collection method: clinical testing. Allele origin: germline.
Comment: In summary, the available evidence is currently insufficient to determine the role of this variant in disease. Therefore, it has been classified as a Variant of Uncertain Significance. Algorithms developed to predict the effect of sequence changes on RNA splicing suggest that this variant may create or strengthen a splice site. Advanced modeling of protein sequence and biophysical properties (such as structural, functional, and spatial information, amino acid conservation, physicochemical variation, residue mobility, and thermodynamic stability) performed at Invitae indicates that this missense variant is not expected to disrupt BRCA2 protein function. ClinVar contains an entry for this variant (Variation ID: 861085). This variant has not been reported in the literature in individuals affected with BRCA2-related conditions. This variant is not present in population databases (gnomAD no frequency). This sequence change replaces phenylalanine, which is neutral and non-polar, with cysteine, which is neutral and slightly polar, at codon 15 of the BRCA2 protein (p.Phe15Cys).

NM_000059.4(BRCA2):c.44T>G (p.Phe15Cys)

Gene: BRCA2 (BRCA2 DNA repair associated; plus strand). Cytogenetic location: 13q13.1.
Variant type: single nucleotide variant.
Coding change: c.44T>G on transcript NM_000059.4 (MANE Select); coding-DNA position 44, T replaced by G.
Protein change: p.Phe15Cys; replaces phenylalanine 15 with cysteine.
Molecular consequence: missense variant.
Genome position (GRCh38, 1-based): chr13:32,316,504, T>G. VCF-style: chr13-32316504-T-G. GRCh37 (hg19) VCF-style: chr13-32890641-T-G.
Other names: short protein forms F15C.
Identifiers: ClinVar variation 861085 (VCV000861085.10), dbSNP rs2072261809, ClinGen allele CA387753041.
Genomic context (GRCh38, chr13:32,316,504, plus strand): 5'-GAATATCGTAGGTAAAAATGCCTATTGGATCCAAAGAGAGGCCAACATTTTTTGAAATTT[T>G]TAAGACACGCTGCAACAAAGCAGGTATTGACAAATTTTATATAACTTTATAAATTACACC-3'
Protein context (NP_000050.3, residues 5-25): SKERPTFFEI[Phe15Cys]KTRCNKADLG